The following is an entry in ClinVar:

ClinVar aggregate classification (germline): Uncertain significance (1 of 4 stars; one submission).

Conditions:
Malignant hyperthermia, susceptibility to, 5 (MHS5). Also called: CACNA1S-Related Malignant Hyperthermia Susceptibility. Identifiers: Orphanet 423, MedGen C1866077, MONDO:0011163, OMIM 601887.

gnomAD v4.1: 2 of 1,614,230 alleles (0.00012%); highest among the groups gnomAD compares: East Asian, 0.0045%; no homozygotes.

Submission:

Color Diagnostics, LLC DBA Color Health
Classification: Uncertain significance for Malignant hyperthermia, susceptibility to, 5. Last evaluated: 2025-07-25. Review status: criteria provided, single submitter. Criteria: ACMG Guidelines, 2015. Collection method: clinical testing. Allele origin: germline.
Comment: This missense variant replaces alanine with serine at codon 1345 of the CACNA1S protein. Computational prediction suggests that this variant may not impact protein structure and function. To our knowledge, functional studies have not been reported for this variant. This variant has not been reported in individuals affected with CACNA1S-related disorders in the literature. This variant has not been identified in the general population by the Genome Aggregation Database (gnomAD). The available evidence is insufficient to determine the role of this variant in disease conclusively. Therefore, this variant is classified as a Variant of Uncertain Significance.

NM_000069.3(CACNA1S):c.4033G>T (p.Ala1345Ser)

Gene: CACNA1S (calcium voltage-gated channel subunit alpha1 S; minus strand). Cytogenetic location: 1q32.1.
Variant type: single nucleotide variant.
Coding change: c.4033G>T on transcript NM_000069.3 (MANE Select); coding-DNA position 4033, G replaced by T.
Protein change: p.Ala1345Ser; replaces alanine 1345 with serine.
Molecular consequence: missense variant.
Genome position (GRCh38, 1-based): chr1:201,051,064, C>A on the plus strand (G>T on the coding strand, the complement: CACNA1S is on the minus strand). VCF-style: chr1-201051064-C-A. GRCh37 (hg19) VCF-style: chr1-201020192-C-A.
Other names: short protein forms A1345S.
Identifiers: ClinVar variation 4759068 (VCV004759068.1).
Genomic context (GRCh38, chr1:201,051,064, plus strand): 5'-AGAAGCTGATGAAGTAGTAGTATGCAAAGTTGGTGCCACATGTGTACTCCTCCCCTGGGG[C>A]ATAGTCCGACTCTGGGTCACACAGCTTCCCATAGCTGCAGGCCAGTAGGATCTCCTGCCA-3'
Protein context (NP_000060.2, residues 1335-1355): GKLCDPESDY[Ala1345Ser]PGEEYTCGTN